The following is an entry in ClinVar:

ClinVar aggregate classification (germline): Uncertain significance (1 of 4 stars; one submission).

Submission:

Medical Genetic Center, Changzhi Maternal and Child Health Care Hospital
Classification: Uncertain significance. Last evaluated: 2025-12-10. Review status: criteria provided, single submitter. Criteria: ACMG/ClinGen CNV Guidelines, 2019. Collection method: clinical testing. Allele origin: unknown.
Comment: 16p13.11 recurrent region (BP2-BP3) (includes MYH11) (TS=2)

GRCh38/hg38 16p13.11(chr16:14799119-16189012)x3

Genes: ABCC1 (ATP binding cassette subfamily C member 1 (ABCC1 blood group); plus strand), ABCC6 (ATP binding cassette subfamily C member 6; minus strand), BMERB1 (bMERB domain containing 1; plus strand), CEP20 (centrosomal protein 20; minus strand), MARF1 (meiosis regulator and mRNA stability factor 1; minus strand) and 40 more. Cytogenetic location: 16p13.11.
Variant type: copy number gain.
Change: copy number 3 (three copies instead of two) of chr16:14,799,119-16,189,012 (1.39 Mb, GRCh38 coordinates, 1-based), cytogenetic band 16p13.11.
Identifiers: ClinVar variation 4796359 (VCV004796359.1).